The following is an entry in ClinVar:

NM_153240.5(NPHP3):c.3201+6G>A

Genes: NPHP3 (nephrocystin 3; minus strand), NPHP3-ACAD11 (NPHP3-ACAD11 readthrough (NMD candidate); minus strand). Cytogenetic location: 3q22.1.
Variant type: single nucleotide variant.
Coding change: c.3201+6G>A on transcript NM_153240.5 (MANE Select); 6 bases into the intron after coding-DNA position 3201, G replaced by A.
Molecular consequence: intron variant.
Genome position (GRCh38, 1-based): chr3:132,687,145, C>T on the plus strand (G>A on the coding strand, the complement: NPHP3 is on the minus strand). VCF-style: chr3-132687145-C-T. GRCh37 (hg19) VCF-style: chr3-132405989-C-T.
Identifiers: ClinVar variation 2195301 (VCV002195301.4), dbSNP rs2530390458, ClinGen allele CA2580068789.

ClinVar aggregate classification (germline): Uncertain significance (1 of 4 stars; one submission).

Conditions:
Nephronophthisis. Also called: Juvenile Nephronophthisis. Identifiers: Orphanet 655, MedGen C0687120, MONDO:0019005, HP:0000090.

Allele frequency attached by ClinVar (database versions not stated): gnomAD exomes below 0.00001.
gnomAD v4.1: 1 of 1,374,640 alleles (0.000073%); highest among the groups gnomAD compares: Admixed American, 0.0017%; no homozygotes.

Submission:

Labcorp Genetics (formerly Invitae), Labcorp
Classification: Uncertain significance for Nephronophthisis. Last evaluated: 2022-06-14. Review status: criteria provided, single submitter. Criteria: Invitae Variant Classification Sherloc (09022015). Collection method: clinical testing. Allele origin: germline.
Comment: In summary, the available evidence is currently insufficient to determine the role of this variant in disease. Therefore, it has been classified as a Variant of Uncertain Significance. Variants that disrupt the consensus splice site are a relatively common cause of aberrant splicing (PMID: 17576681, 9536098). Algorithms developed to predict the effect of sequence changes on RNA splicing suggest that this variant is not likely to affect RNA splicing. This variant has not been reported in the literature in individuals affected with NPHP3-related conditions. This variant is not present in population databases (gnomAD no frequency). This sequence change falls in intron 22 of the NPHP3 gene. It does not directly change the encoded amino acid sequence of the NPHP3 protein. It affects a nucleotide within the consensus splice site.

Literature cited by the submitters: PubMed 17576681; PubMed 9536098.